The following is an entry in ClinVar:

ClinVar aggregate classification (germline): Uncertain significance (1 of 4 stars; one submission).

Conditions:
Hereditary breast ovarian cancer syndrome. Also called: Hereditary breast and ovarian cancer syndrome; Hereditary breast and/or ovarian cancer syndrome; BRCA1- and BRCA2-Associated Hereditary Breast and Ovarian Cancer; Hereditary breast and ovarian cancer; Breast and ovarian cancer; Hereditary breast and ovarian cancer syndrome (HBOC). Identifiers: Orphanet 145, MedGen C0677776, MeSH D061325, MONDO:0003582. Disease mechanism: loss of function.

Submission:

Labcorp Genetics (formerly Invitae), Labcorp
Classification: Uncertain significance for Hereditary breast ovarian cancer syndrome. Last evaluated: 2023-06-04. Review status: criteria provided, single submitter. Criteria: Invitae Variant Classification Sherloc (09022015). Collection method: clinical testing. Allele origin: germline.
Comment: Advanced modeling of protein sequence and biophysical properties (such as structural, functional, and spatial information, amino acid conservation, physicochemical variation, residue mobility, and thermodynamic stability) performed at Invitae indicates that this missense variant is not expected to disrupt BRCA1 protein function. This variant has not been reported in the literature in individuals affected with BRCA1-related conditions. This variant is not present in population databases (gnomAD no frequency). This sequence change replaces leucine, which is neutral and non-polar, with phenylalanine, which is neutral and non-polar, at codon 269 of the BRCA1 protein (p.Leu269Phe). In summary, the available evidence is currently insufficient to determine the role of this variant in disease. Therefore, it has been classified as a Variant of Uncertain Significance.

NM_007294.4(BRCA1):c.807G>C (p.Leu269Phe)

Gene: BRCA1 (BRCA1 DNA repair associated; minus strand). Cytogenetic location: 17q21.31.
Variant type: single nucleotide variant.
Coding change: c.807G>C on transcript NM_007294.4 (MANE Select); coding-DNA position 807, G replaced by C.
Protein change: p.Leu269Phe; replaces leucine 269 with phenylalanine.
Molecular consequence: missense variant. On other transcripts: intron variant (137), 5 prime UTR variant (2).
Genome position (GRCh38, 1-based): chr17:43,094,724, C>G on the plus strand (G>C on the coding strand, the complement: BRCA1 is on the minus strand). VCF-style: chr17-43094724-C-G. GRCh37 (hg19) VCF-style: chr17-41246741-C-G.
Other names: c.643+20G>C (NM_001408465.1, NM_001408463.1, NM_001408470.1 and 3 more transcripts); c.520+20G>C (NM_001408504.1, NM_001408503.1, NM_001408505.1); c.577+20G>C (NM_001408482.1, NM_001408484.1, NM_001408478.1 and 9 more transcripts); c.523+20G>C (NM_001408499.1, NM_001408498.1, NM_001408501.1 and 3 more transcripts); c.670+1122G>C (NM_001408422.1, NM_001408423.1, NM_001408420.1 and 2 more transcripts); c.706+20G>C (NM_001408416.1, NM_001408413.1); c.784+20G>C (NM_001407992.1, NM_001408398.1, NM_001408397.1 and 13 more transcripts); c.661+20G>C (NM_001408450.1, NM_001408434.1, NM_001408446.1 and 6 more transcripts); and 40 more; short protein forms L141F, L180F, L198F, L222F, L227F, L228F, L181F, L201F.
Identifiers: ClinVar variation 2764869 (VCV002764869.3), dbSNP rs149867679, ClinGen allele CA10600468.
Genomic context (GRCh38, chr17:43,094,724, plus strand): 5'-ACTGCTGTTCTCATGCTGTAATGAGCTGGCATGAGTATTTGTGCCACATGGCTCCACATG[C>G]AAGTTTGAAACAGAACTACCCTGATACTTTTCTGGATGCCTCTCAGCTGCACGCTTCTCA-3'
Protein context (NP_009225.1, residues 259-279): EKYQGSSVSN[Leu269Phe]HVEPCGTNTH